The following is an entry in ClinVar:

NM_000193.4(SHH):c.885C>T (p.Ser295=)

Gene: SHH (sonic hedgehog signaling molecule; minus strand). Cytogenetic location: 7q36.3.
Variant type: single nucleotide variant.
Coding change: c.885C>T on transcript NM_000193.4 (MANE Select); coding-DNA position 885, C replaced by T.
Protein change: p.Ser295=; no amino-acid change (serine 295 retained).
Molecular consequence: synonymous variant. On other transcripts: intron variant (1).
Genome position (GRCh38, 1-based): chr7:155,803,404, G>A on the plus strand (C>T on the coding strand, the complement: SHH is on the minus strand). VCF-style: chr7-155803404-G-A. GRCh37 (hg19) VCF-style: chr7-155596098-G-A.
Other names: c.885C>T; c.301+2892C>T (NM_001310462.2).
Identifiers: ClinVar variation 65912 (VCV000065912.17), dbSNP rs549625672, ClinGen allele CA345253.

ClinVar aggregate classification (germline): Benign/Likely benign. Review status: criteria provided, multiple submitters, no conflicts (2 of 4 stars). 5 submissions from 5 submitters: Benign (1); Likely benign (3). 1 of the submissions does not count toward it. Last evaluated 2026-01-06.

Conditions:
Holoprosencephaly 3 (HPE3). Identifiers: Orphanet 2162, MedGen C1840529, MONDO:0007733, OMIM 142945.

Allele frequency attached by ClinVar (database versions not stated): ExAC below 0.00001; gnomAD exomes 0.00017 and 0.00030; TOPMed 0.00193; gnomAD 0.00218 and 0.00234; 1000 Genomes Project 0.00260; 1000 Genomes Project 30x 0.00265.

Submissions (5):

Labcorp Genetics (formerly Invitae), Labcorp
Classification: Likely benign for Holoprosencephaly 3. Last evaluated: 2026-01-06. Review status: criteria provided, single submitter. Criteria: Invitae Variant Classification Sherloc (09022015). Collection method: clinical testing. Allele origin: germline.

Blueprint Genetics
Classification: Benign. Last evaluated: 2024-10-08. Review status: criteria provided, single submitter. Criteria: ACMG Guidelines, 2015. Collection method: clinical testing. Allele origin: germline.

GeneDx
Classification: Likely benign. Last evaluated: 2019-01-23. Review status: criteria provided, single submitter. Criteria: GeneDx Variant Classification Process June 2021. Collection method: clinical testing. Allele origin: germline. Affected: yes.
Comment: This variant is associated with the following publications: (PMID: 20425842)

Breakthrough Genomics
Classification: Likely benign. Review status: criteria provided, single submitter. Criteria: ACMG Guidelines, 2015. Collection method: not provided. Allele origin: germline. Inheritance: Autosomal dominant inheritance. Affected: yes.

GeneReviews
Classification: Benign for Holoprosencephaly. Last evaluated: 2013-08-29. Review status: no assertion criteria provided. Collection method: curation. Allele origin: unknown. Not counted in ClinVar's aggregate classification.
ClinVar note: Converted during submission from non-pathogenic to Benign.